The following is an entry in ClinVar:

ClinVar aggregate classification (germline): Benign/Likely benign. Review status: criteria provided, multiple submitters, no conflicts (2 of 4 stars). 5 submissions from 5 submitters: Benign (1); Likely benign (4). Last evaluated 2026-01-06.

Conditions:
Spinocerebellar ataxia type 5 (SCA5). Identifiers: Orphanet 98766, MedGen C0752123, MONDO:0010848, OMIM 600224.

Allele frequency attached by ClinVar (database versions not stated): 1000 Genomes Project 0.00060; TOPMed 0.00060; gnomAD 0.00063 and 0.00067; gnomAD exomes 0.00072 and 0.00101; ExAC 0.00088; ESP Exome Variant Server 0.00039; 1000 Genomes Project 30x 0.00047.
gnomAD v4.1: 1,566 of 1,607,130 alleles (0.097%); highest among the groups gnomAD compares: Non-Finnish European, 0.12%; 2 homozygotes.

Submissions (5):

Labcorp Genetics (formerly Invitae), Labcorp
Classification: Likely benign. Last evaluated: 2026-01-06. Review status: criteria provided, single submitter. Criteria: Invitae Variant Classification Sherloc (09022015). Collection method: clinical testing. Allele origin: germline.

CeGaT Center for Human Genetics Tuebingen
Classification: Likely benign. Last evaluated: 2025-10-01. Review status: criteria provided, single submitter. Criteria: CeGaT Center For Human Genetics Tuebingen Variant Classification Criteria Version 2. Collection method: clinical testing. Allele origin: germline. Affected: yes. Observed: 4 variant alleles.
Comment: SPTBN2: BS1

Laboratory of Genetics, Children's Clinical University Hospital Latvia
Classification: Likely benign. Last evaluated: 2025-02-16. Review status: criteria provided, single submitter. Criteria: ACMG Guidelines, 2015. Collection method: clinical testing. Allele origin: germline. Affected: yes.

CENTOGENE GmbH and LLC - Guiding Precision Medicine
Classification: Likely benign for Spinocerebellar ataxia type 5. Last evaluated: 2021-08-30. Review status: criteria provided, single submitter. Criteria: ACMG Guidelines, 2015. Collection method: clinical testing. Allele origin: germline.

Athena Diagnostics
Classification: Benign. Last evaluated: 2020-01-21. Review status: criteria provided, single submitter. Criteria: Athena Diagnostics Criteria. Collection method: clinical testing. Allele origin: unknown.

NM_006946.4(SPTBN2):c.3116G>A (p.Arg1039Gln)

Gene: SPTBN2 (spectrin beta, non-erythrocytic 2; minus strand). Cytogenetic location: 11q13.2.
Variant type: single nucleotide variant.
Coding change: c.3116G>A on transcript NM_006946.4 (MANE Select); coding-DNA position 3116, G replaced by A.
Protein change: p.Arg1039Gln; replaces arginine 1039 with glutamine.
Molecular consequence: missense variant.
Genome position (GRCh38, 1-based): chr11:66,700,983, C>T on the plus strand (G>A on the coding strand, the complement: SPTBN2 is on the minus strand). VCF-style: chr11-66700983-C-T. GRCh37 (hg19) VCF-style: chr11-66468454-C-T.
Other names: short protein forms R1039Q.
Identifiers: ClinVar variation 305568 (VCV000305568.44), dbSNP rs148826890, ClinGen allele CA6128931.